The following is an entry in ClinVar:

NM_001089.3(ABCA3):c.1435G>A (p.Gly479Ser)

Gene: ABCA3 (ATP binding cassette subfamily A member 3; minus strand). Cytogenetic location: 16p13.3.
Variant type: single nucleotide variant.
Coding change: c.1435G>A on transcript NM_001089.3 (MANE Select); coding-DNA position 1435, G replaced by A.
Protein change: p.Gly479Ser; replaces glycine 479 with serine.
Molecular consequence: missense variant.
Genome position (GRCh38, 1-based): chr16:2,304,001, C>T on the plus strand (G>A on the coding strand, the complement: ABCA3 is on the minus strand). VCF-style: chr16-2304001-C-T. GRCh37 (hg19) VCF-style: chr16-2354002-C-T.
Other names: short protein forms G479S.
Identifiers: ClinVar variation 1772603 (VCV001772603.3), dbSNP rs770148420, ClinGen allele CA7841251.
Genomic context (GRCh38, chr16:2,304,001, plus strand): 5'-GGCTCAAGAGCAGGGCATCAGAACTCACCATGATGAAGAAGTACCAGGGCTGAGGCACGC[C>T]GAACTGCCCTGGGAAGACGGCCTCCATGTACCAGGTCACCAGGCCATAGAGCACAGAGTC-3'
Protein context (NP_001080.2, residues 469-489): YMEAVFPGQF[Gly479Ser]VPQPWYFFIM

ClinVar aggregate classification (germline): Uncertain significance. Review status: criteria provided, multiple submitters, no conflicts (2 of 4 stars). 2 submissions from 2 submitters: Uncertain significance (2). Last evaluated 2024-11-20.

Conditions:
Hereditary pulmonary alveolar proteinosis. Also called: Pulmonary surfactant metabolism dysfunction. Identifiers: Orphanet 264675, MedGen C3711368, MONDO:0012580.

Allele frequency attached by ClinVar (database versions not stated): ExAC 0.00002; gnomAD 0.00002; gnomAD exomes 0.00002; TOPMed 0.00003.
gnomAD v4.1: 33 of 1,614,016 alleles (0.002%); highest among the groups gnomAD compares: Middle Eastern, 0.016%; no homozygotes.

Submissions (2):

Blueprint Genetics
Classification: Uncertain significance. Last evaluated: 2024-11-20. Review status: criteria provided, single submitter. Criteria: ACMG Guidelines, 2015. Collection method: clinical testing. Allele origin: germline.

Ambry Genetics
Classification: Uncertain significance for Hereditary pulmonary alveolar proteinosis. Last evaluated: 2021-11-19. Review status: criteria provided, single submitter. Criteria: Ambry Variant Classification Scheme 2023. Collection method: clinical testing. Allele origin: germline.
Comment: The p.G479S variant (also known as c.1435G>A), located in coding exon 9 of the ABCA3 gene, results from a G to A substitution at nucleotide position 1435. The glycine at codon 479 is replaced by serine, an amino acid with similar properties. This amino acid position is conserved. In addition, this alteration is predicted to be deleterious by in silico analysis. Since supporting evidence is limited at this time, the clinical significance of this alteration remains unclear.